The following is an entry in ClinVar:

NM_000719.7(CACNA1C):c.2339+6C>T

Gene: CACNA1C (calcium voltage-gated channel subunit alpha1 C; plus strand). Cytogenetic location: 12p13.33.
Variant type: single nucleotide variant.
Coding change: c.2339+6C>T on transcript NM_000719.7 (MANE Select); 6 bases into the intron after coding-DNA position 2339, C replaced by T.
Molecular consequence: intron variant.
Genome position (GRCh38, 1-based): chr12:2,584,623, C>T. VCF-style: chr12-2584623-C-T. GRCh37 (hg19) VCF-style: chr12-2693789-C-T.
Other names: c.2339+6C>T (NM_001167624.3, NM_001167623.2, NM_001167625.2 and 18 more transcripts); c.2330+6C>T (NM_001129844.2).
Identifiers: ClinVar variation 1522244 (VCV001522244.6), dbSNP rs1030265969, ClinGen allele CA231587439.
Genomic context (GRCh38, chr12:2,584,623, plus strand): 5'-TCACATCTGCCCAAAAGGAGGAGGAAGAGGAGAAGGAGAGAAAGAAGCTGGCCAGGTAAC[C>T]CTCTAAGCTTGCCCAGGCCTGGGGCTCCAGGGCTCCCATTGTGGAATGTCTTCCCACTGG-3'

ClinVar aggregate classification (germline): Uncertain significance (1 of 4 stars; one submission).

Conditions:
Long QT syndrome (LQTS). Identifiers: MedGen C0023976, MeSH D008133, MONDO:0002442. Disease mechanism: loss of function. Inheritance: Various modes of inheritance.

Allele frequency attached by ClinVar (database versions not stated): gnomAD exomes below 0.00001; gnomAD 0.00001; TOPMed 0.00002.
gnomAD v4.1: 3 of 1,590,982 alleles (0.00019%); highest among the groups gnomAD compares: African/African-American, 0.004%; no homozygotes.

Submission:

Labcorp Genetics (formerly Invitae), Labcorp
Classification: Uncertain significance for Long QT syndrome. Last evaluated: 2025-07-16. Review status: criteria provided, single submitter. Criteria: Invitae Variant Classification Sherloc (09022015). Collection method: clinical testing. Allele origin: germline.
Comment: This sequence change falls in intron 16 of the CACNA1C gene. It does not directly change the encoded amino acid sequence of the CACNA1C protein. It affects a nucleotide within the consensus splice site. This variant is present in population databases (no rsID available, gnomAD 0.01%). This variant has not been reported in the literature in individuals affected with CACNA1C-related conditions. ClinVar contains an entry for this variant (Variation ID: 1522244). Variants that disrupt the consensus splice site are a relatively common cause of aberrant splicing (PMID: 17576681, 9536098). Algorithms developed to predict the effect of sequence changes on RNA splicing suggest that this variant is not likely to affect RNA splicing. In summary, the available evidence is currently insufficient to determine the role of this variant in disease. Therefore, it has been classified as a Variant of Uncertain Significance.

Literature cited by the submitters: PubMed 17576681; PubMed 9536098.